The following is an entry in ClinVar:

NM_014822.4(SEC24D):c.91G>A (p.Asp31Asn)

Gene: SEC24D (SEC24 homolog D, COPII component; minus strand). Cytogenetic location: 4q26.
Variant type: single nucleotide variant.
Coding change: c.91G>A on transcript NM_014822.4 (MANE Select); coding-DNA position 91, G replaced by A.
Protein change: p.Asp31Asn; replaces aspartic acid 31 with asparagine.
Molecular consequence: missense variant.
Genome position (GRCh38, 1-based): chr4:118,833,606, C>T on the plus strand (G>A on the coding strand, the complement: SEC24D is on the minus strand). VCF-style: chr4-118833606-C-T. GRCh37 (hg19) VCF-style: chr4-119754761-C-T.
Other names: c.91G>A, p.Asp31Asn (NM_001318066.2); short protein forms D31N.
Identifiers: ClinVar variation 1392745 (VCV001392745.6), dbSNP rs756768392, ClinGen allele CA3057654.

ClinVar aggregate classification (germline): Uncertain significance (1 of 4 stars; one submission).

gnomAD v4.1: 9 of 1,613,602 alleles (0.00056%); highest among the groups gnomAD compares: South Asian, 0.0066%; no homozygotes.

Submission:

Labcorp Genetics (formerly Invitae), Labcorp
Classification: Uncertain significance. Last evaluated: 2021-12-15. Review status: criteria provided, single submitter. Criteria: Invitae Variant Classification Sherloc (09022015). Collection method: clinical testing. Allele origin: germline.
Comment: In summary, the available evidence is currently insufficient to determine the role of this variant in disease. Therefore, it has been classified as a Variant of Uncertain Significance. Algorithms developed to predict the effect of missense changes on protein structure and function are either unavailable or do not agree on the potential impact of this missense change (SIFT: "Not Available"; PolyPhen-2: "Possibly Damaging"; Align-GVGD: "Not Available"). This variant has not been reported in the literature in individuals affected with SEC24D-related conditions. This variant is present in population databases (rs756768392, gnomAD 0.01%). This sequence change replaces aspartic acid, which is acidic and polar, with asparagine, which is neutral and polar, at codon 31 of the SEC24D protein (p.Asp31Asn).